The following is an entry in ClinVar:

NM_001130009.3(GEN1):c.2147C>T (p.Thr716Ile)

Gene: GEN1 (GEN1 structure-specific endonuclease; plus strand). Cytogenetic location: 2p24.2.
Variant type: single nucleotide variant.
Coding change: c.2147C>T on transcript NM_001130009.3 (MANE Select); coding-DNA position 2147, C replaced by T.
Protein change: p.Thr716Ile; replaces threonine 716 with isoleucine.
Molecular consequence: missense variant.
Genome position (GRCh38, 1-based): chr2:17,781,359, C>T. VCF-style: chr2-17781359-C-T. GRCh37 (hg19) VCF-style: chr2-17962626-C-T.
Other names: c.2147C>T, p.Thr716Ile (NM_182625.5); short protein forms T716I.
Identifiers: ClinVar variation 4857956 (VCV004857956.1).
Genomic context (GRCh38, chr2:17,781,359, plus strand): 5'-AAACTTTGTCCATACTTAGTGTAAAAGAATCTTGTATTGCTAACAGTGGTTCTGATTGTA[C>T]ATCACATCTTTCAAAGGATCTTCCAGGAATTCCCTTGCAAAATGAATCCAGAGACTCTAA-3'
Protein context (NP_001123481.3, residues 706-726): SCIANSGSDC[Thr716Ile]SHLSKDLPGI

ClinVar aggregate classification (germline): Uncertain significance (1 of 4 stars; one submission).

Submission:

Ambry Genetics
Classification: Uncertain significance. Last evaluated: 2026-04-09. Review status: criteria provided, single submitter. Criteria: Ambry Variant Classification Scheme 2023. Collection method: clinical testing. Allele origin: germline.
Comment: The p.T716I variant (also known as c.2147C>T), located in coding exon 13 of the GEN1 gene, results from a C to T substitution at nucleotide position 2147. The threonine at codon 716 is replaced by isoleucine, an amino acid with similar properties. This amino acid position is conserved. In addition, this alteration is predicted to be tolerated by in silico analysis. Based on the available evidence, the clinical significance of this variant remains unclear.